The following is an entry in ClinVar:

ClinVar aggregate classification (germline): Pathogenic (1 of 4 stars; one submission).

Conditions:
Cardiovascular phenotype. Identifiers: MedGen CN230736.

Submission:

Ambry Genetics
Classification: Pathogenic for Cardiovascular phenotype. Last evaluated: 2024-06-21. Review status: criteria provided, single submitter. Criteria: Ambry Variant Classification Scheme 2023. Collection method: clinical testing. Allele origin: germline.
Comment: The c.4184_4187delTAGA pathogenic mutation, located in coding exon 23 of the DSP gene, results from a deletion of 4 nucleotides at nucleotide positions 4184 to 4187, causing a translational frameshift with a predicted alternate stop codon (p.I1395Tfs*14). This variant is considered to be rare based on population cohorts in the Genome Aggregation Database (gnomAD). Alterations in DSP that result in haploinsufficiency or protein truncation have been reported in patients with arrhythmogenic right ventricular cardiomyopathy (ARVC) and dilated cardiomyopathy (DCM) (Fressart V et al. Europace. 2010;12(6):861-8; Elliott P et al. Circ Cardiovasc Genet. 2010;3(4):314-22; Quarta G et al. Circulation. 2011;123(23):2701-9; Garcia-Pavia P et al. Heart. 2011;97(21):1744-52; Rasmussen TB et al. Clin Genet. 2013;84(1):20-30; Pugh TJ et al. Genet Med. 2014;16(8):601-8). This alteration is expected to result in loss of function by premature protein truncation or nonsense-mediated mRNA decay. Based on the supporting evidence, this variant is interpreted as a disease-causing mutation.

NM_004415.4(DSP):c.4184_4187del (p.Ile1395fs)

Gene: DSP (desmoplakin; plus strand). Cytogenetic location: 6p24.3.
Variant type: Deletion.
Coding change: c.4184_4187del on transcript NM_004415.4 (MANE Select); coding-DNA positions 4184 to 4187, 4 bases deleted (TAGA; older notation c.4184_4187delTAGA).
Protein change: p.Ile1395fs; shifts the reading frame from isoleucine 1395.
Molecular consequence: frameshift variant. On other transcripts: intron variant (2).
Genome position (GRCh38, 1-based): chr6:7,580,374-7,580,377, TAGA deleted; deleting any 4 consecutive bases within chr6:7,580,371-7,580,377 gives the same sequence; the c. name uses the placement nearest the transcript's 3' end. VCF-style (leftmost placement, unchanged base first): chr6-7580370-CAGAT-C. GRCh37 (hg19) VCF-style: chr6-7580603-CAGAT-C.
Other names: c.4050+134_4050+137del (NM_001319034.2); c.3582+602_3582+605del (NM_001008844.3); short protein forms I1395fs.
Identifiers: ClinVar variation 3273906 (VCV003273906.1).
Genomic context (GRCh38, chr6:7,580,370, plus strand): 5'-AAGACCACCATCCACCAGCTCACCATGCAGAAGGAAGAGGATACCAGTGGCTACCGGGCT[CAGAT>C]AGACAATCTCACCCGAGAAAACAGGAGCTTATCTGAAGAAATAAAGAGGCTGAAGAACAC-3'